The following is an entry in ClinVar:

ClinVar aggregate classification (germline): Uncertain significance (1 of 4 stars; one submission).

Submission:

Labcorp Genetics (formerly Invitae), Labcorp
Classification: Uncertain significance. Last evaluated: 2026-02-01. Review status: criteria provided, single submitter. Criteria: Invitae Variant Classification Sherloc (09022015). Collection method: clinical testing. Allele origin: germline.
Comment: This sequence change creates a premature translational stop signal (p.Pro407Phefs*8) in the IRF2BP2 gene. While this is not anticipated to result in nonsense mediated decay, it is expected to disrupt the last 181 amino acid(s) of the IRF2BP2 protein. This variant is not present in population databases (gnomAD no frequency). This variant has not been reported in the literature in individuals affected with IRF2BP2-related conditions. In summary, the available evidence is currently insufficient to determine the role of this variant in disease. Therefore, it has been classified as a Variant of Uncertain Significance.

NM_182972.3(IRF2BP2):c.1219_1223del (p.Pro407fs)

Gene: IRF2BP2 (interferon regulatory factor 2 binding protein 2; minus strand). Cytogenetic location: 1q42.3.
Variant type: Microsatellite.
Coding change: c.1219_1223del on transcript NM_182972.3 (MANE Select); coding-DNA positions 1219 to 1223, 5 bases deleted (CCTCA; older notation c.1219_1223delCCTCA).
Protein change: p.Pro407fs; shifts the reading frame from proline 407.
Molecular consequence: frameshift variant.
Genome position (GRCh38, 1-based): chr1:234,607,678-234,607,682, TGAGG deleted on the plus strand (CCTCA on the coding strand, the reverse complement: IRF2BP2 is on the minus strand); deleting any 5 consecutive bases within chr1:234,607,678-234,607,687 gives the same sequence; the c. name uses the placement nearest the transcript's 3' end. VCF-style (leftmost placement, unchanged base first): chr1-234607677-ATGAGG-A. GRCh37 (hg19) VCF-style: chr1-234743423-ATGAGG-A.
Other names: c.1171_1175del, p.Pro391fs (NM_001077397.1); short protein forms P391fs, P407fs.
Identifiers: ClinVar variation 4736545 (VCV004736545.1).